The following is an entry in ClinVar:

NM_012469.4(PRPF6):c.2185C>T (p.Arg729Trp)

Gene: PRPF6 (pre-mRNA processing factor 6; plus strand). Cytogenetic location: 20q13.33.
Variant type: single nucleotide variant.
Coding change: c.2185C>T on transcript NM_012469.4 (MANE Select); coding-DNA position 2185, C replaced by T.
Protein change: p.Arg729Trp; replaces arginine 729 with tryptophan.
Molecular consequence: missense variant.
Genome position (GRCh38, 1-based): chr20:64,027,138, C>T. VCF-style: chr20-64027138-C-T. GRCh37 (hg19) VCF-style: chr20-62658491-C-T.
Other names: short protein forms R729W.
Identifiers: ClinVar variation 31089 (VCV000031089.8), dbSNP rs387907100, ClinGen allele CA259993.

ClinVar aggregate classification (germline): Uncertain significance. Review status: criteria provided, single submitter (1 of 4 stars). 2 submissions from 2 submitters: Uncertain significance (1). 1 of the submissions does not count toward it. Last evaluated 2021-04-12.

Conditions:
Retinitis pigmentosa 60 (RP60). Also called: PRPF 6-Related Retinitis Pigmentosa. Identifiers: Orphanet 791, MedGen C3151434, MONDO:0013516, OMIM 613983.

Allele frequency attached by ClinVar (database versions not stated): gnomAD exomes below 0.00001.
gnomAD v4.1: 13 of 1,613,654 alleles (0.00081%); highest among the groups gnomAD compares: South Asian, 0.0022%; no homozygotes.

Submissions (2):

Labcorp Genetics (formerly Invitae), Labcorp
Classification: Uncertain significance. Last evaluated: 2021-04-12. Review status: criteria provided, single submitter. Criteria: Invitae Variant Classification Sherloc (09022015). Collection method: clinical testing. Allele origin: germline.
Comment: This variant is not present in population databases (ExAC no frequency). In summary, the available evidence is currently insufficient to determine the role of this variant in disease. Therefore, it has been classified as a Variant of Uncertain Significance. This variant disrupts the p.Arg729 amino acid residue in PRPF6. Other variant(s) that disrupt this residue have been observed in individuals with PRPF6-related conditions (Invitae), which suggests that this may be a clinically significant amino acid residue. Experimental studies have shown that this variant affects PRPF6 protein function (PMID: 21549338). This variant has been observed in individual(s) with retinitis pigmentosa (PMID: 21549338). ClinVar contains an entry for this variant (Variation ID: 31089). This sequence change replaces arginine with tryptophan at codon 729 of the PRPF6 protein (p.Arg729Trp). The arginine residue is highly conserved and there is a moderate physicochemical difference between arginine and tryptophan.

OMIM
Classification: Pathogenic for RETINITIS PIGMENTOSA 60. Last evaluated: 2011-05-13. Review status: no assertion criteria provided. Collection method: literature only. Allele origin: germline. Not counted in ClinVar's aggregate classification.

Literature cited by the submitters: PubMed 21549338 (cited by Labcorp Genetics (formerly Invitae), Labcorp and OMIM).